The following is an entry in ClinVar:

NM_025103.4(IFT74):c.988A>T (p.Lys330Ter)

Gene: IFT74 (intraflagellar transport 74; plus strand). Cytogenetic location: 9p21.2.
Variant type: single nucleotide variant.
Coding change: c.988A>T on transcript NM_025103.4 (MANE Select); coding-DNA position 988, A replaced by T.
Protein change: p.Lys330Ter; replaces lysine 330 with a stop codon.
Molecular consequence: nonsense.
Genome position (GRCh38, 1-based): chr9:27,029,038, A>T. VCF-style: chr9-27029038-A-T. GRCh37 (hg19) VCF-style: chr9-27029036-A-T.
Other names: c.988A>T, p.Lys330Ter (NM_001099222.3, NM_001099223.3, NM_001099224.3 and 1 more transcripts); short protein forms K330*.
Identifiers: ClinVar variation 4803379 (VCV004803379.1).

ClinVar aggregate classification (germline): Pathogenic (1 of 4 stars; one submission).

Submission:

Labcorp Genetics (formerly Invitae), Labcorp
Classification: Pathogenic. Last evaluated: 2025-05-11. Review status: criteria provided, single submitter. Criteria: Invitae Variant Classification Sherloc (09022015). Collection method: clinical testing. Allele origin: germline.
Comment: This sequence change creates a premature translational stop signal (p.Lys330*) in the IFT74 gene. It is expected to result in an absent or disrupted protein product. Loss-of-function variants in IFT74 are known to be pathogenic (PMID: 33531668). This variant is not present in population databases (gnomAD no frequency). This variant has not been reported in the literature in individuals affected with IFT74-related conditions. For these reasons, this variant has been classified as Pathogenic.

Literature cited by the submitters: PubMed 33531668.